The following is an entry in ClinVar:

NM_003719.5(PDE8B):c.694G>T (p.Ala232Ser)

Gene: PDE8B (phosphodiesterase 8B; plus strand). Cytogenetic location: 5q13.3.
Variant type: single nucleotide variant.
Coding change: c.694G>T on transcript NM_003719.5 (MANE Select); coding-DNA position 694, G replaced by T.
Protein change: p.Ala232Ser; replaces alanine 232 with serine.
Molecular consequence: missense variant.
Genome position (GRCh38, 1-based): chr5:77,331,445, G>T. VCF-style: chr5-77331445-G-T. GRCh37 (hg19) VCF-style: chr5-76627270-G-T.
Other names: c.694G>T, p.Ala232Ser (NM_001029851.4, NM_001029852.4, NM_001029854.4 and 2 more transcripts); c.634G>T, p.Ala212Ser (NM_001029853.4); c.691G>T, p.Ala231Ser (NM_001349748.3, NM_001349751.3, NM_001376065.1); c.757G>T, p.Ala253Ser (NM_001349749.3); c.454G>T, p.Ala152Ser (NM_001349750.3); c.388G>T, p.Ala130Ser (NM_001349752.3, NM_001376071.1); c.322G>T, p.Ala108Ser (NM_001349753.2, NM_001376067.1, NM_001376068.1 and 3 more transcripts); c.391G>T, p.Ala131Ser (NM_001376062.1, NM_001376070.1, NM_001376072.1 and 1 more transcripts); and 2 more; short protein forms A130S, A151S, A253S, A111S, A232S, A108S, A131S, A152S.
Identifiers: ClinVar variation 1914206 (VCV001914206.7), dbSNP rs768520879, ClinGen allele CA3315018.

ClinVar aggregate classification (germline): Uncertain significance. Review status: criteria provided, multiple submitters, no conflicts (2 of 4 stars). 2 submissions from 2 submitters: Uncertain significance (2). Last evaluated 2025-03-30.

Conditions:
Inborn genetic diseases. Identifiers: MedGen C0950123, MeSH D030342.

Submissions (2):

Ambry Genetics
Classification: Uncertain significance for Inborn genetic diseases. Last evaluated: 2025-03-30. Review status: criteria provided, single submitter. Criteria: Ambry Variant Classification Scheme 2023. Collection method: clinical testing. Allele origin: germline.

Labcorp Genetics (formerly Invitae), Labcorp
Classification: Uncertain significance. Last evaluated: 2022-10-26. Review status: criteria provided, single submitter. Criteria: Invitae Variant Classification Sherloc (09022015). Collection method: clinical testing. Allele origin: germline.
Comment: In summary, the available evidence is currently insufficient to determine the role of this variant in disease. Therefore, it has been classified as a Variant of Uncertain Significance. Algorithms developed to predict the effect of missense changes on protein structure and function are either unavailable or do not agree on the potential impact of this missense change (SIFT: "Tolerated"; PolyPhen-2: "Probably Damaging"; Align-GVGD: "Class C0"). This variant has not been reported in the literature in individuals affected with PDE8B-related conditions. This variant is present in population databases (rs768520879, gnomAD 0.004%). This sequence change replaces alanine, which is neutral and non-polar, with serine, which is neutral and polar, at codon 232 of the PDE8B protein (p.Ala232Ser).